The following is an entry in ClinVar:

NM_001615.4(ACTG2):c.594C>T (p.Gly198=)

Gene: ACTG2 (actin gamma 2, smooth muscle; plus strand). Cytogenetic location: 2p13.1.
Variant type: single nucleotide variant.
Coding change: c.594C>T on transcript NM_001615.4 (MANE Select); coding-DNA position 594, C replaced by T.
Protein change: p.Gly198=; no amino-acid change (glycine 198 retained).
Molecular consequence: synonymous variant.
Genome position (GRCh38, 1-based): chr2:73,913,627, C>T. VCF-style: chr2-73913627-C-T. GRCh37 (hg19) VCF-style: chr2-74140754-C-T.
Other names: c.465C>T, p.Gly155= (NM_001199893.2).
Identifiers: ClinVar variation 4979915 (VCV004979915.1).

ClinVar aggregate classification (germline): Likely benign (1 of 4 stars; one submission).

Conditions:
ACTG2-related disorder. Also called: ACTG2-related condition.

gnomAD v4.1: 5 of 1,612,846 alleles (0.00031%); highest among the groups gnomAD compares: Middle Eastern, 0.049%; no homozygotes.

Submission:

PreventionGenetics, part of Exact Sciences
Classification: Likely benign for ACTG2-related condition. Last evaluated: 2025-12-29. Review status: criteria provided, single submitter. Criteria: ACMG Guidelines, 2015. Collection method: clinical testing. Allele origin: germline.
Comment: This variant is classified as likely benign based on ACMG/AMP sequence variant interpretation guidelines (Richards et al. 2015 PMID: 25741868, with internal and published modifications).